The following is an entry in ClinVar:

ClinVar aggregate classification (germline): Uncertain significance (1 of 4 stars; one submission).

Conditions:
Cardiovascular phenotype. Identifiers: MedGen CN230736.

Allele frequency attached by ClinVar (database versions not stated): gnomAD 0.00001.
gnomAD v4.1: 1 of 1,550,230 alleles (0.000065%); highest among the groups gnomAD compares: African/African-American, 0.0014%; no homozygotes.

Submission:

Ambry Genetics
Classification: Uncertain significance for Cardiovascular phenotype. Last evaluated: 2020-06-25. Review status: criteria provided, single submitter. Criteria: Ambry Variant Classification Scheme 2023. Collection method: clinical testing. Allele origin: germline.
Comment: The p.F1299L variant (also known as c.3895T>C), located in coding exon 2 of the ZNF469 gene, results from a T to C substitution at nucleotide position 3895. The phenylalanine at codon 1299 is replaced by leucine, an amino acid with highly similar properties. This amino acid position is poorly conserved in available vertebrate species. In addition, this alteration is predicted to be tolerated by in silico analysis. Since supporting evidence is limited at this time, the clinical significance of this alteration remains unclear.

NM_001367624.2(ZNF469):c.3979T>C (p.Phe1327Leu)

Gene: ZNF469 (zinc finger protein 469; plus strand). Cytogenetic location: 16q24.2.
Variant type: single nucleotide variant.
Coding change: c.3979T>C on transcript NM_001367624.2 (MANE Select); coding-DNA position 3979, T replaced by C.
Protein change: p.Phe1327Leu; replaces phenylalanine 1327 with leucine.
Molecular consequence: missense variant.
Genome position (GRCh38, 1-based): chr16:88,431,449, T>C. VCF-style: chr16-88431449-T-C. GRCh37 (hg19) VCF-style: chr16-88497857-T-C.
Other names: NM_001127464.1:c.3895T>C; short protein forms F1327L.
Identifiers: ClinVar variation 1735937 (VCV001735937.2), dbSNP rs1906177514, ClinGen allele CA397088333.